The following is an entry in ClinVar:

ClinVar aggregate classification (germline): Conflicting classifications of pathogenicity. Review status: criteria provided, conflicting classifications (1 of 4 stars). 2 submissions from 2 submitters: Uncertain significance (1); Likely benign (1). Last evaluated 2022-08-29.

Conditions:
Arrhythmogenic right ventricular dysplasia 5. Also called: Arrhythmogenic Right Ventricular Dysplasia/Cardiomyopathy 5; ARRHYTHMOGENIC RIGHT VENTRICULAR DYSPLASIA, FAMILIAL, 5. Identifiers: MedGen C1858379, MONDO:0011459, OMIM 604400.

Allele frequency attached by ClinVar (database versions not stated): TOPMed below 0.00001; ESP Exome Variant Server 0.00008.

Submissions (2):

Labcorp Genetics (formerly Invitae), Labcorp
Classification: Likely benign for Arrhythmogenic right ventricular dysplasia 5. Last evaluated: 2022-08-29. Review status: criteria provided, single submitter. Criteria: Invitae Variant Classification Sherloc (09022015). Collection method: clinical testing. Allele origin: germline.

GeneDx
Classification: Uncertain significance. Last evaluated: 2017-03-09. Review status: criteria provided, single submitter. Criteria: GeneDx Variant Classification (06012015). Collection method: clinical testing. Allele origin: germline. Affected: yes.
Comment: A variant of uncertain significance has been identified in the TMEM43 gene. The c.513-9 C>G variant has not been published as pathogenic or been reported as benign to our knowledge. This variant is not observed in large population cohorts (Lek et al., 2016; 1000 Genomes Consortium et al., 2015; Exome Variant Server). This variant may damage the canonical splice acceptor site in intron 6 and may lead to abnormal gene splicing. However, the nucleotide at this position is not conserved across species and guanine (G) is present as the wild type in multiple species.

NM_024334.3(TMEM43):c.513-9C>G

Gene: TMEM43 (transmembrane protein 43; plus strand). Cytogenetic location: 3p25.1.
Variant type: single nucleotide variant.
Coding change: c.513-9C>G on transcript NM_024334.3 (MANE Select); 9 bases into the intron before coding-DNA position 513, C replaced by G.
Molecular consequence: intron variant.
Genome position (GRCh38, 1-based): chr3:14,133,730, C>G. VCF-style: chr3-14133730-C-G. GRCh37 (hg19) VCF-style: chr3-14175230-C-G.
Identifiers: ClinVar variation 424212 (VCV000424212.9), dbSNP rs369551282, ClinGen allele CA16617833.